The following is an entry in ClinVar:

ClinVar aggregate classification (germline): Likely benign. Review status: reviewed by expert panel (3 of 4 stars). 4 submissions from 4 submitters: Likely benign (1). 3 of the submissions do not count toward it. Last evaluated 2023-08-18.

Conditions:
CDH1-related diffuse gastric and lobular breast cancer syndrome. Also called: CDH1-related diffuse gastric and lobular breast cancer. Identifiers: MedGen CN311521, MONDO:0100488.
Hereditary cancer-predisposing syndrome. Also called: Neoplastic Syndromes, Hereditary; Hereditary Cancer Syndrome; Hereditary neoplastic syndrome; Tumor predisposition. Identifiers: Orphanet 140162, MedGen C0027672, MeSH D009386, MONDO:0015356.
Hereditary diffuse gastric adenocarcinoma (HDGC). Also called: DIFFUSE GASTRIC AND LOBULAR BREAST CANCER SYNDROME. Identifiers: Orphanet 26106, MedGen C1708349, MONDO:0007648, OMIM 137215.

Allele frequency attached by ClinVar (database versions not stated): gnomAD exomes below 0.00001.
gnomAD v4.1: 1 of 1,614,168 alleles (0.000062%); highest among the groups gnomAD compares: Non-Finnish European, 0.000085%; no homozygotes.

Submissions (4):

Clingen Gastric Cancer Variant Curation Expert Panel
Classification: Likely benign for CDH1-related diffuse gastric and lobular breast cancer syndrome. Last evaluated: 2023-08-18. Review status: reviewed by expert panel. Criteria: ClinGen CDH1 ACMG Specifications V3.1. Collection method: curation. Allele origin: germline. Inheritance: Autosomal dominant inheritance.
Comment: The c.223T>C (p.Phe75Leu) missense variant has a frequency of 0.000003977 (1 of 251,418) in the gnomAD v2.1.1 cohort, with a maximum non-founder allele frequency of 0.000008795 (1 of 113,700) in the Non-Finnish European population (PM2_Supporting). This variant has been observed in at least 10 individuals without DGC, SRC tumours or LBC and whose families do not suggest HDGC (BS2). In summary, the clinical significance of this variant is classified as of likely benign based the ACMG/AMP criteria applied, as specified by the CDH1 Variant Curation Expert Panel (Variant Interpretation Guidelines Version 3.1): PM2_supporting, BS2.

Labcorp Genetics (formerly Invitae), Labcorp
Classification: Uncertain significance for Hereditary diffuse gastric adenocarcinoma. Last evaluated: 2024-08-04. Review status: criteria provided, single submitter. Criteria: Invitae Variant Classification Sherloc (09022015). Collection method: clinical testing. Allele origin: germline. Not counted in ClinVar's aggregate classification.
Comment: This sequence change replaces phenylalanine, which is neutral and non-polar, with leucine, which is neutral and non-polar, at codon 75 of the CDH1 protein (p.Phe75Leu). This variant is present in population databases (rs587782193, gnomAD 0.0009%). This missense change has been observed in individual(s) with breast cancer (PMID: 31871109). ClinVar contains an entry for this variant (Variation ID: 142040). An algorithm developed to predict the effect of missense changes on protein structure and function (PolyPhen-2) suggests that this variant is likely to be tolerated. In summary, the available evidence is currently insufficient to determine the role of this variant in disease. Therefore, it has been classified as a Variant of Uncertain Significance.

Quest Diagnostics Nichols Institute San Juan Capistrano
Classification: Uncertain significance. Last evaluated: 2021-04-01. Review status: criteria provided, single submitter. Criteria: Quest Diagnostics criteria. Collection method: clinical testing. Allele origin: unknown. Not counted in ClinVar's aggregate classification.

Ambry Genetics
Classification: Likely benign for Hereditary cancer-predisposing syndrome. Last evaluated: 2016-02-09. Review status: criteria provided, single submitter. Criteria: Ambry Variant Classification Scheme 2023. Collection method: clinical testing. Allele origin: germline. Not counted in ClinVar's aggregate classification.

Literature cited by the submitters: PubMed 31871109 (cited by Labcorp Genetics (formerly Invitae), Labcorp).

NM_004360.5(CDH1):c.223T>C (p.Phe75Leu)

Gene: CDH1 (cadherin 1; plus strand). Cytogenetic location: 16q22.1.
Variant type: single nucleotide variant.
Coding change: c.223T>C on transcript NM_004360.5 (MANE Select); coding-DNA position 223, T replaced by C.
Protein change: p.Phe75Leu; replaces phenylalanine 75 with leucine.
Molecular consequence: missense variant. On other transcripts: 5 prime UTR variant (2).
Genome position (GRCh38, 1-based): chr16:68,801,729, T>C. VCF-style: chr16-68801729-T-C. GRCh37 (hg19) VCF-style: chr16-68835632-T-C.
Other names: NM_004360.5(CDH1):c.223T>C; p.Phe75Leu; c.223T>C (LRG_301t1); c.223T>C, p.Phe75Leu (NM_001317184.2); c.-1393T>C (NM_001317185.2); c.-1597T>C (NM_001317186.2); short protein forms F75L.
Identifiers: ClinVar variation 142040 (VCV000142040.17), dbSNP rs587782193, ClinGen allele CA167218.